The following is an entry in ClinVar:

NM_022437.3(ABCG8):c.1293C>A (p.Ile431=)

Gene: ABCG8 (ATP binding cassette subfamily G member 8; plus strand). Cytogenetic location: 2p21.
Variant type: single nucleotide variant.
Coding change: c.1293C>A on transcript NM_022437.3 (MANE Select); coding-DNA position 1293, C replaced by A.
Protein change: p.Ile431=; no amino-acid change (isoleucine 431 retained).
Molecular consequence: synonymous variant.
Genome position (GRCh38, 1-based): chr2:43,873,868, C>A. VCF-style: chr2-43873868-C-A. GRCh37 (hg19) VCF-style: chr2-44101007-C-A.
Other names: c.1293C>A (NM_022437.2); c.1290C>A, p.Ile430= (NM_001357321.2).
Identifiers: ClinVar variation 595130 (VCV000595130.11), dbSNP rs202176869, ClinGen allele CA1637393.

ClinVar aggregate classification (germline): Conflicting classifications of pathogenicity. Review status: criteria provided, conflicting classifications (1 of 4 stars). 4 submissions from 4 submitters: Uncertain significance (1); Likely benign (2). 1 of the submissions does not count toward it. Last evaluated 2024-05-08.

Conditions:
Cardiovascular phenotype. Identifiers: MedGen CN230736.
ABCG8-related disorder. Also called: ABCG8-related condition.

Allele frequency attached by ClinVar (database versions not stated): TOPMed 0.00001.

Submissions (4):

Labcorp Genetics (formerly Invitae), Labcorp
Classification: Likely benign. Last evaluated: 2024-05-08. Review status: criteria provided, single submitter. Criteria: Invitae Variant Classification Sherloc (09022015). Collection method: clinical testing. Allele origin: germline.

Ambry Genetics
Classification: Likely benign for Cardiovascular phenotype. Last evaluated: 2023-06-01. Review status: criteria provided, single submitter. Criteria: Ambry Variant Classification Scheme 2023. Collection method: clinical testing. Allele origin: germline.

Eurofins Ntd Llc (ga)
Classification: Uncertain significance. Last evaluated: 2017-11-22. Review status: criteria provided, single submitter. Criteria: EGL Classification Definitions 2015. Collection method: clinical testing. Allele origin: germline. Observed: 1 variant allele, 1 heterozygote.

PreventionGenetics, part of Exact Sciences
Classification: Likely benign for ABCG8-related condition. Last evaluated: 2020-02-21. Review status: no assertion criteria provided. Collection method: clinical testing. Allele origin: germline. Not counted in ClinVar's aggregate classification.
Comment: This variant is classified as likely benign based on ACMG/AMP sequence variant interpretation guidelines (Richards et al. 2015 PMID: 25741868, with internal and published modifications).